The following is an entry in ClinVar:

NM_012281.3(KCND2):c.1630A>G (p.Asn544Asp)

Gene: KCND2 (potassium voltage-gated channel subfamily D member 2; plus strand). Cytogenetic location: 7q31.31.
Variant type: single nucleotide variant.
Coding change: c.1630A>G on transcript NM_012281.3 (MANE Select); coding-DNA position 1630, A replaced by G.
Protein change: p.Asn544Asp; replaces asparagine 544 with aspartic acid.
Molecular consequence: missense variant.
Genome position (GRCh38, 1-based): chr7:120,745,942, A>G. VCF-style: chr7-120745942-A-G. GRCh37 (hg19) VCF-style: chr7-120385996-A-G.
Other names: short protein forms N544D.
Identifiers: ClinVar variation 4692891 (VCV004692891.1).

ClinVar aggregate classification (germline): Uncertain significance (1 of 4 stars; one submission).

Conditions:
Early Myoclonic Encephalopathy. Identifiers: MedGen C0270855.

Submission:

Labcorp Genetics (formerly Invitae), Labcorp
Classification: Uncertain significance for Early Myoclonic Encephalopathy. Last evaluated: 2025-05-27. Review status: criteria provided, single submitter. Criteria: Invitae Variant Classification Sherloc (09022015). Collection method: clinical testing. Allele origin: germline.
Comment: This sequence change replaces asparagine, which is neutral and polar, with aspartic acid, which is acidic and polar, at codon 544 of the KCND2 protein (p.Asn544Asp). This variant is not present in population databases (gnomAD no frequency). This variant has not been reported in the literature in individuals affected with KCND2-related conditions. Invitae Evidence Modeling of protein sequence and biophysical properties (such as structural, functional, and spatial information, amino acid conservation, physicochemical variation, residue mobility, and thermodynamic stability) indicates that this missense variant is not expected to disrupt KCND2 protein function with a negative predictive value of 95%. In summary, the available evidence is currently insufficient to determine the role of this variant in disease. Therefore, it has been classified as a Variant of Uncertain Significance.